The following is an entry in ClinVar:

ClinVar aggregate classification (germline): Likely benign (0 of 4 stars; one submission).

Conditions:
SEMA3B-related disorder. Also called: SEMA3B-related condition.

Submission:

PreventionGenetics, part of Exact Sciences
Classification: Likely benign for SEMA3B-related condition. Last evaluated: 2023-02-03. Review status: no assertion criteria provided. Collection method: clinical testing. Allele origin: germline.
Comment: This variant is classified as likely benign based on ACMG/AMP sequence variant interpretation guidelines (Richards et al. 2015 PMID: 25741868, with internal and published modifications).

NM_001290060.2(SEMA3B):c.258G>T (p.Arg86=)

Gene: SEMA3B (semaphorin 3B; plus strand). Cytogenetic location: 3p21.31.
Variant type: single nucleotide variant.
Coding change: c.258G>T on transcript NM_001290060.2 (MANE Select); coding-DNA position 258, G replaced by T.
Protein change: p.Arg86=; no amino-acid change (arginine 86 retained).
Molecular consequence: synonymous variant.
Genome position (GRCh38, 1-based): chr3:50,270,275, G>T. VCF-style: chr3-50270275-G-T. GRCh37 (hg19) VCF-style: chr3-50307706-G-T.
Other names: c.258G>T, p.Arg86= (NM_001005914.3, NM_001290061.1, NM_004636.4).
Identifiers: ClinVar variation 3354380 (VCV003354380.1).